The following is an entry in ClinVar:

ClinVar aggregate classification (germline): Uncertain significance. Review status: criteria provided, multiple submitters, no conflicts (2 of 4 stars). 3 submissions from 3 submitters: Uncertain significance (3). Last evaluated 2025-02-06.

Conditions:
Progressive myoclonic epilepsy type 3. Also called: EPILEPSY, PROGRESSIVE MYOCLONIC, 3, WITH OR WITHOUT INTRACELLULAR INCLUSIONS; CEROID LIPOFUSCINOSIS, NEURONAL, 14; EPILEPSY, PROGRESSIVE MYOCLONIC, 3, WITHOUT INTRACELLULAR INCLUSIONS; KCTD7-Related Progressive Myoclonic Epilepsy. Identifiers: Orphanet 263516, MedGen C2673257, MONDO:0012721, OMIM 611726.

Allele frequency attached by ClinVar (database versions not stated): ExAC 0.00001; gnomAD 0.00001; TOPMed 0.00001; gnomAD exomes 0.00002 and 0.00006.
gnomAD v4.1: 82 of 1,614,098 alleles (0.0051%); highest among the groups gnomAD compares: Middle Eastern, 0.016%; no homozygotes.

Submissions (3):

GeneDx
Classification: Uncertain significance. Last evaluated: 2025-02-06. Review status: criteria provided, single submitter. Criteria: GeneDx Variant Classification Process June 2021. Collection method: clinical testing. Allele origin: germline. Affected: yes.
Comment: Not observed at significant frequency in large population cohorts (gnomAD); In silico analysis indicates that this missense variant does not alter protein structure/function; Identified in brain tissue sample in association with epilepsy and SUDEP; however, additional variants were identified (PMID: 29619247); This variant is associated with the following publications: (PMID: 29619247)

Labcorp Genetics (formerly Invitae), Labcorp
Classification: Uncertain significance for Progressive myoclonic epilepsy type 3. Last evaluated: 2024-10-29. Review status: criteria provided, single submitter. Criteria: Invitae Variant Classification Sherloc (09022015). Collection method: clinical testing. Allele origin: germline.
Comment: This sequence change replaces glycine, which is neutral and non-polar, with arginine, which is basic and polar, at codon 135 of the KCTD7 protein (p.Gly135Arg). This variant is present in population databases (rs781725855, gnomAD 0.002%). This missense change has been observed in individual(s) with clinical features of KCTD7-related¬†conditions (PMID: 29619247). ClinVar contains an entry for this variant (Variation ID: 360587). Invitae Evidence Modeling of protein sequence and biophysical properties (such as structural, functional, and spatial information, amino acid conservation, physicochemical variation, residue mobility, and thermodynamic stability) indicates that this missense variant is not expected to disrupt KCTD7 protein function with a negative predictive value of 80%. In summary, the available evidence is currently insufficient to determine the role of this variant in disease. Therefore, it has been classified as a Variant of Uncertain Significance.

Illumina Laboratory Services, Illumina
Classification: Uncertain significance for Progressive myoclonic epilepsy type 3. Last evaluated: 2018-01-12. Review status: criteria provided, single submitter. Criteria: ICSL Variant Classification Criteria 13 December 2019. Collection method: clinical testing. Allele origin: germline.

Literature cited by the submitters: PubMed 29619247 (cited by Labcorp Genetics (formerly Invitae), Labcorp).

NM_153033.5(KCTD7):c.403G>A (p.Gly135Arg)

Gene: KCTD7 (potassium channel tetramerization domain containing 7; plus strand). Cytogenetic location: 7q11.21.
Variant type: single nucleotide variant.
Coding change: c.403G>A on transcript NM_153033.5 (MANE Select); coding-DNA position 403, G replaced by A.
Protein change: p.Gly135Arg; replaces glycine 135 with arginine.
Molecular consequence: missense variant.
Genome position (GRCh38, 1-based): chr7:66,638,341, G>A. VCF-style: chr7-66638341-G-A. GRCh37 (hg19) VCF-style: chr7-66103328-G-A.
Other names: c.403G>A, p.Gly135Arg (NM_001167961.2); short protein forms G135R.
Identifiers: ClinVar variation 360587 (VCV000360587.14), dbSNP rs781725855, ClinGen allele CA4278251.